The following is an entry in ClinVar:

ClinVar aggregate classification (germline): Uncertain significance (1 of 4 stars; one submission).

Conditions:
IFT140-related disorder. Also called: IFT140-related condition.

Submission:

PreventionGenetics, part of Exact Sciences
Classification: Uncertain significance for IFT140-related condition. Last evaluated: 2025-12-16. Review status: criteria provided, single submitter. Criteria: ACMG Guidelines, 2015. Collection method: clinical testing. Allele origin: germline.
Comment: The IFT140 c.133A>G variant is predicted to result in the amino acid substitution p.Ile45Val. To our knowledge, this variant has not been reported in the literature or in a large population database (gnomAD), indicating this variant is rare. At this time, the clinical significance of this variant is uncertain due to the absence of conclusive functional and genetic evidence.

NM_014714.4(IFT140):c.133A>G (p.Ile45Val)

Genes: IFT140 (intraflagellar transport 140; minus strand), LOC105371046 (uncharacterized LOC105371046; plus strand). Cytogenetic location: 16p13.3.
Variant type: single nucleotide variant.
Coding change: c.133A>G on transcript NM_014714.4 (MANE Select); coding-DNA position 133, A replaced by G.
Protein change: p.Ile45Val; replaces isoleucine 45 with valine.
Molecular consequence: missense variant.
Genome position (GRCh38, 1-based): chr16:1,607,134, T>C on the plus strand (A>G on the coding strand, the complement: IFT140 is on the minus strand). VCF-style: chr16-1607134-T-C. GRCh37 (hg19) VCF-style: chr16-1657135-T-C.
Other names: short protein forms I45V.
Identifiers: ClinVar variation 5000836 (VCV005000836.1).